The following is an entry in ClinVar:

NM_000135.4(FANCA):c.1378C>A (p.Arg460=)

Gene: FANCA (FA complementation group A; minus strand). Cytogenetic location: 16q24.3.
Variant type: single nucleotide variant.
Coding change: c.1378C>A on transcript NM_000135.4 (MANE Select); coding-DNA position 1378, C replaced by A.
Protein change: p.Arg460=; no amino-acid change (arginine 460 retained).
Molecular consequence: synonymous variant.
Genome position (GRCh38, 1-based): chr16:89,784,946, G>T on the plus strand (C>A on the coding strand, the complement: FANCA is on the minus strand). VCF-style: chr16-89784946-G-T. GRCh37 (hg19) VCF-style: chr16-89851354-G-T.
Other names: c.1378C>A, p.Arg460= (NM_001286167.3); c.1378C>A (NM_000135.2).
Identifiers: ClinVar variation 1658031 (VCV001658031.19), dbSNP rs1438828232, ClinGen allele CA497191292.

ClinVar aggregate classification (germline): Likely benign. Review status: criteria provided, multiple submitters, no conflicts (2 of 4 stars). 3 submissions from 3 submitters: Likely benign (3). Last evaluated 2025-08-23.

Conditions:
Inborn genetic diseases. Identifiers: MedGen C0950123, MeSH D030342.
Fanconi anemia (FA). Also called: Fanconi's anemia. Identifiers: Orphanet 84, MedGen C0015625, MeSH D005199, MONDO:0019391.

gnomAD v4.1: 3 of 1,613,888 alleles (0.00019%); highest among the groups gnomAD compares: Non-Finnish European, 0.00017%; no homozygotes.

Submissions (3):

Ambry Genetics
Classification: Likely benign for Inborn genetic diseases. Last evaluated: 2025-08-23. Review status: criteria provided, single submitter. Criteria: Ambry Variant Classification Scheme 2023. Collection method: clinical testing. Allele origin: germline.

CeGaT Center for Human Genetics Tuebingen
Classification: Likely benign. Last evaluated: 2025-05-01. Review status: criteria provided, single submitter. Criteria: CeGaT Center For Human Genetics Tuebingen Variant Classification Criteria Version 2. Collection method: clinical testing. Allele origin: germline. Affected: yes. Observed: 1 variant allele.
Comment: FANCA: BP4, BP7

Labcorp Genetics (formerly Invitae), Labcorp
Classification: Likely benign for Fanconi anemia. Last evaluated: 2020-12-03. Review status: criteria provided, single submitter. Criteria: Invitae Variant Classification Sherloc (09022015). Collection method: clinical testing. Allele origin: germline.